The following is an entry in ClinVar:

ClinVar aggregate classification (germline): Benign (1 of 4 stars; one submission).

Submission:

Unidad de Genómica Garrahan, Hospital de Pediatría Garrahan
Classification: Benign. Last evaluated: 2024-07-31. Review status: criteria provided, single submitter. Criteria: ACMG Guidelines, 2015. Collection method: clinical testing. Allele origin: germline. Affected: no. Observed: 89 variant alleles.
Comment: This variant is classified as Benign based on local population frequency. This variant was detected in 96% of patients studied in a panel designed for Epileptic and Developmental Encephalopathy, Progressive Myoclonus Epilepsy and Abnormal Movements and Neurodegeneration with brain iron accumulation. Number of patients: 89. Only high quality variants are reported.

NM_004562.3(PRKN):c.7+103231C>T

Gene: PRKN (parkin RBR E3 ubiquitin protein ligase; minus strand). Cytogenetic location: 6q26.
Variant type: single nucleotide variant.
Coding change: c.7+103231C>T on transcript NM_004562.3 (MANE Select); 103231 bases into the intron after coding-DNA position 7, C replaced by T.
Molecular consequence: intron variant.
Genome position (GRCh38, 1-based): chr6:162,624,431, G>A on the plus strand (C>T on the coding strand, the complement: PRKN is on the minus strand). VCF-style: chr6-162624431-G-A. GRCh37 (hg19) VCF-style: chr6-163045463-G-A.
Other names: c.7+103231C>T (NM_013988.3, NM_013987.3).
Identifiers: ClinVar variation 3256828 (VCV003256828.2).